The following is an entry in ClinVar:

NC_000010.10:g.(?_104263910)_(104389912_?)del

Gene: SUFU (SUFU negative regulator of hedgehog signaling; plus strand). Cytogenetic location: 10q24.32.
Variant type: Deletion.
Identifiers: ClinVar variation 3244797 (VCV003244797.1).

ClinVar aggregate classification (germline): Pathogenic (1 of 4 stars; one submission).

Conditions:
Gorlin syndrome. Also called: Basal cell nevus syndrome; Nevoid Basal Cell Carcinoma Syndrome. Identifiers: Orphanet 377, MedGen C0004779, MONDO:0007187.
Medulloblastoma (MDB). Also called: Medulloblastoma, somatic; MEDULLOBLASTOMA PREDISPOSITION SYNDROME. Identifiers: Orphanet 616, MedGen C0025149, MeSH D008527, MONDO:0007959, OMIM 155255, HP:0002885.

Submission:

Labcorp Genetics (formerly Invitae), Labcorp
Classification: Pathogenic for Gorlin syndrome; Medulloblastoma. Last evaluated: 2023-10-15. Review status: criteria provided, single submitter. Criteria: Invitae Variant Classification Sherloc (09022015). Collection method: clinical testing. Allele origin: unknown.
Comment: A gross deletion of the genomic region encompassing the full coding sequence of the SUFU gene has been identified. Loss-of-function variants in SUFU are known to be pathogenic (PMID: 22508808, 25403219, 33024317). The boundaries of this event are unknown as they extend beyond the assayed region for this gene and therefore may encompass additional genes. Isolated whole-gene deletions of SUFU have not been reported in the literature. However, larger copy number events that include this gene have been reported (PMID: 12068298, 31639285). For these reasons, this variant has been classified as Pathogenic.

Literature cited by the submitters: PubMed 22508808; PubMed 25403219; PubMed 33024317; PubMed 12068298; PubMed 31639285.